The following is an entry in ClinVar:

NM_138295.5(PKD1L1):c.7060A>G (p.Thr2354Ala)

Genes: PKD1L1-AS1 (PKD1L1 antisense RNA 1; plus strand), PKD1L1 (polycystin 1 like 1, transient receptor potential channel interacting; minus strand). Cytogenetic location: 7p12.3.
Variant type: single nucleotide variant.
Coding change: c.7060A>G on transcript NM_138295.5 (MANE Select); coding-DNA position 7060, A replaced by G.
Protein change: p.Thr2354Ala; replaces threonine 2354 with alanine.
Molecular consequence: missense variant.
Genome position (GRCh38, 1-based): chr7:47,815,363, T>C on the plus strand (A>G on the coding strand, the complement: PKD1L1 is on the minus strand). VCF-style: chr7-47815363-T-C. GRCh37 (hg19) VCF-style: chr7-47854961-T-C.
Other names: short protein forms T2354A.
Identifiers: ClinVar variation 3046108 (VCV003046108.2), dbSNP rs562577400, ClinGen allele CA4252146.

ClinVar aggregate classification (germline): Likely benign (0 of 4 stars; one submission).

Conditions:
PKD1L1-related disorder. Also called: PKD1L1-related condition.

Allele frequency attached by ClinVar (database versions not stated): TOPMed 0.00004; gnomAD 0.00010; 1000 Genomes Project 30x 0.00016; 1000 Genomes Project 0.00020; gnomAD exomes 0.00022; ExAC 0.00042.
gnomAD v4.1: 335 of 1,614,078 alleles (0.021%); highest among the groups gnomAD compares: South Asian, 0.33%; 2 homozygotes.

Submission:

PreventionGenetics, part of Exact Sciences
Classification: Likely benign for PKD1L1-related condition. Last evaluated: 2022-02-07. Review status: no assertion criteria provided. Collection method: clinical testing. Allele origin: germline.
Comment: This variant is classified as likely benign based on ACMG/AMP sequence variant interpretation guidelines (Richards et al. 2015 PMID: 25741868, with internal and published modifications).